The following is an entry in ClinVar:

ClinVar aggregate classification (germline): Uncertain significance. Review status: criteria provided, multiple submitters, no conflicts (2 of 4 stars). 2 submissions from 2 submitters: Uncertain significance (2). Last evaluated 2022-01-19.

Conditions:
Arrhythmogenic right ventricular dysplasia 5. Also called: Arrhythmogenic Right Ventricular Dysplasia/Cardiomyopathy 5; ARRHYTHMOGENIC RIGHT VENTRICULAR DYSPLASIA, FAMILIAL, 5. Identifiers: MedGen C1858379, MONDO:0011459, OMIM 604400.

Allele frequency attached by ClinVar (database versions not stated): gnomAD exomes 0.00002.
gnomAD v4.1: 14 of 1,611,560 alleles (0.00087%); highest among the groups gnomAD compares: Non-Finnish European, 0.0012%; no homozygotes.

Submissions (2):

Labcorp Genetics (formerly Invitae), Labcorp
Classification: Uncertain significance for Arrhythmogenic right ventricular dysplasia 5. Last evaluated: 2022-01-19. Review status: criteria provided, single submitter. Criteria: Invitae Variant Classification Sherloc (09022015). Collection method: clinical testing. Allele origin: germline.
Comment: Variants that disrupt the consensus splice site are a relatively common cause of aberrant splicing (PMID: 17576681, 9536098). Algorithms developed to predict the effect of sequence changes on RNA splicing suggest that this variant may disrupt the consensus splice site. This sequence change falls in intron 4 of the TMEM43 gene. It does not directly change the encoded amino acid sequence of the TMEM43 protein. It affects a nucleotide within the consensus splice site. This variant is not present in population databases (gnomAD no frequency). This variant has not been reported in the literature in individuals affected with TMEM43-related conditions. ClinVar contains an entry for this variant (Variation ID: 46144). In summary, the available evidence is currently insufficient to determine the role of this variant in disease. Therefore, it has been classified as a Variant of Uncertain Significance.

Laboratory for Molecular Medicine, Mass General Brigham Personalized Medicine
Classification: Uncertain significance. Last evaluated: 2012-07-31. Review status: criteria provided, single submitter. Criteria: LMM Criteria. Collection method: clinical testing. Allele origin: germline. Observed: 1 variant allele.
Comment: The 392+4A>G variant in TMEM43 has not been reported in the literature nor previ ously identified by our laboratory. It has also not been detected in 2 large and broad populations (European and African American) screened by the NHLBI Exome S equencing Project, which is consistent with a role in disease. This variant is located in the 5' splice region and computatio nal tools do suggest a slight impact to splicing (please note that their accurac y is unknown). Additional information is needed to fully assess the clinical sig nificance of this variant.

Literature cited by the submitters: PubMed 17576681 (cited by Labcorp Genetics (formerly Invitae), Labcorp); PubMed 9536098 (cited by Labcorp Genetics (formerly Invitae), Labcorp).

NM_024334.3(TMEM43):c.392+4A>G

Gene: TMEM43 (transmembrane protein 43; plus strand). Cytogenetic location: 3p25.1.
Variant type: single nucleotide variant.
Coding change: c.392+4A>G on transcript NM_024334.3 (MANE Select); 4 bases into the intron after coding-DNA position 392, A replaced by G.
Molecular consequence: intron variant.
Genome position (GRCh38, 1-based): chr3:14,131,678, A>G. VCF-style: chr3-14131678-A-G. GRCh37 (hg19) VCF-style: chr3-14173178-A-G.
Identifiers: ClinVar variation 46144 (VCV000046144.10), dbSNP rs397517382, ClinGen allele CA024672.